The following is an entry in ClinVar:

NM_053025.4(MYLK):c.2826G>A (p.Glu942=)

Gene: MYLK (myosin light chain kinase; minus strand). Cytogenetic location: 3q21.1.
Variant type: single nucleotide variant.
Coding change: c.2826G>A on transcript NM_053025.4 (MANE Select); coding-DNA position 2826, G replaced by A.
Protein change: p.Glu942=; no amino-acid change (glutamic acid 942 retained).
Molecular consequence: synonymous variant.
Genome position (GRCh38, 1-based): chr3:123,700,642, C>T on the plus strand (G>A on the coding strand, the complement: MYLK is on the minus strand). VCF-style: chr3-123700642-C-T. GRCh37 (hg19) VCF-style: chr3-123419489-C-T.
Other names: c.2298G>A, p.Glu766= (NM_001321309.2); c.2619G>A, p.Glu873= (NM_053026.4, NM_053028.4); c.2826G>A, p.Glu942= (NM_053027.4).
Identifiers: ClinVar variation 1564129 (VCV001564129.14), dbSNP rs371613462, ClinGen allele CA82925180.

ClinVar aggregate classification (germline): Likely benign. Review status: criteria provided, multiple submitters, no conflicts (2 of 4 stars). 5 submissions from 5 submitters: Likely benign (4). 1 of the submissions does not count toward it. Last evaluated 2025-05-21.

Conditions:
Aortic aneurysm, familial thoracic 7 (AAT7). Also called: AORTIC DISSECTION, FAMILIAL, WITH OR WITHOUT AORTIC ANEURYSM. Identifiers: MedGen C3151077, MONDO:0013418, OMIM 613780.
MYLK-related disorder. Also called: MYLK-related condition.
Familial thoracic aortic aneurysm and aortic dissection (TAAD). Also called: Thoracic aortic aneurysms and dissections. Identifiers: Orphanet 91387, MedGen C4707243, MONDO:0019625.

Submissions (5):

Labcorp Genetics (formerly Invitae), Labcorp
Classification: Likely benign for Aortic aneurysm, familial thoracic 7. Last evaluated: 2025-05-21. Review status: criteria provided, single submitter. Criteria: Invitae Variant Classification Sherloc (09022015). Collection method: clinical testing. Allele origin: germline.

Women's Health and Genetics/Laboratory Corporation of America, LabCorp
Classification: Likely benign. Last evaluated: 2024-08-14. Review status: criteria provided, single submitter. Criteria: LabCorp Variant Classification Summary - May 2015. Collection method: clinical testing. Allele origin: germline.

Blueprint Genetics
Classification: Likely benign. Last evaluated: 2024-03-06. Review status: criteria provided, single submitter. Criteria: ACMG Guidelines, 2015. Collection method: clinical testing. Allele origin: germline.

Ambry Genetics
Classification: Likely benign for Familial thoracic aortic aneurysm and aortic dissection. Last evaluated: 2022-03-03. Review status: criteria provided, single submitter. Criteria: Ambry Variant Classification Scheme 2023. Collection method: clinical testing. Allele origin: germline.

PreventionGenetics, part of Exact Sciences
Classification: Likely benign for MYLK-related condition. Last evaluated: 2019-03-01. Review status: no assertion criteria provided. Collection method: clinical testing. Allele origin: germline. Not counted in ClinVar's aggregate classification.
Comment: This variant is classified as likely benign based on ACMG/AMP sequence variant interpretation guidelines (Richards et al. 2015 PMID: 25741868, with internal and published modifications).